The following is an entry in ClinVar:

ClinVar aggregate classification (germline): Uncertain significance (1 of 4 stars; one submission).

Conditions:
Inborn genetic diseases. Identifiers: MedGen C0950123, MeSH D030342.

Submission:

Ambry Genetics
Classification: Uncertain significance for Inborn genetic diseases. Last evaluated: 2025-04-17. Review status: criteria provided, single submitter. Criteria: Ambry Variant Classification Scheme 2023. Collection method: clinical testing. Allele origin: germline.
Comment: The p.P617S variant (also known as c.1849C>T), located in coding exon 14 of the FANCG gene, results from a C to T substitution at nucleotide position 1849. The proline at codon 617 is replaced by serine, an amino acid with similar properties. This amino acid position is conserved. In addition, this alteration is predicted to be tolerated by in silico analysis. Based on the available evidence, the clinical significance of this variant remains unclear.

NM_004629.2(FANCG):c.1849C>T (p.Pro617Ser)

Gene: FANCG (FA complementation group G; minus strand). Cytogenetic location: 9p13.3.
Variant type: single nucleotide variant.
Coding change: c.1849C>T on transcript NM_004629.2 (MANE Select); coding-DNA position 1849, C replaced by T.
Protein change: p.Pro617Ser; replaces proline 617 with serine.
Molecular consequence: missense variant.
Genome position (GRCh38, 1-based): chr9:35,074,128, G>A on the plus strand (C>T on the coding strand, the complement: FANCG is on the minus strand). VCF-style: chr9-35074128-G-A. GRCh37 (hg19) VCF-style: chr9-35074125-G-A.
Other names: short protein forms P617S.
Identifiers: ClinVar variation 4022493 (VCV004022493.1).